The following is an entry in ClinVar:

ClinVar aggregate classification (germline): Uncertain significance. Review status: criteria provided, multiple submitters, no conflicts (2 of 4 stars). 4 submissions from 4 submitters: Uncertain significance (4). Last evaluated 2026-08-31.

Conditions:
OTOG-related disorder. Also called: OTOG-related condition.

Allele frequency attached by ClinVar (database versions not stated): ExAC 0.00006; gnomAD exomes 0.00011 and 0.00030; TOPMed 0.00014; gnomAD 0.00019 and 0.00021.

Submissions (4):

PreventionGenetics, part of Exact Sciences
Classification: Uncertain significance for OTOG-related condition. Last evaluated: 2026-08-31. Review status: criteria provided, single submitter. Criteria: ACMG Guidelines, 2015. Collection method: clinical testing. Allele origin: germline.
Comment: The OTOG c.956C>T variant is predicted to result in the amino acid substitution p.Pro319Leu. To our knowledge, this variant has not been reported in the literature. This variant is reported in 0.027% of alleles in individuals of European (Non-Finnish) descent in gnomAD. At this time, the clinical significance of this variant is uncertain due to the absence of conclusive functional and genetic evidence.

Blueprint Genetics
Classification: Uncertain significance. Last evaluated: 2024-05-22. Review status: criteria provided, single submitter. Criteria: ACMG Guidelines, 2015. Collection method: clinical testing. Allele origin: germline.

Labcorp Genetics (formerly Invitae), Labcorp
Classification: Uncertain significance. Last evaluated: 2023-08-18. Review status: criteria provided, single submitter. Criteria: Invitae Variant Classification Sherloc (09022015). Collection method: clinical testing. Allele origin: germline.
Comment: ClinVar contains an entry for this variant (Variation ID: 1196554). This variant has not been reported in the literature in individuals affected with OTOG-related conditions. This variant is present in population databases (rs755684934, gnomAD 0.03%). This sequence change replaces proline, which is neutral and non-polar, with leucine, which is neutral and non-polar, at codon 319 of the OTOG protein (p.Pro319Leu). Algorithms developed to predict the effect of missense changes on protein structure and function output the following: SIFT: "Not Available"; PolyPhen-2: "Benign"; Align-GVGD: "Not Available". The leucine amino acid residue is found in multiple mammalian species, which suggests that this missense change does not adversely affect protein function. In summary, the available evidence is currently insufficient to determine the role of this variant in disease. Therefore, it has been classified as a Variant of Uncertain Significance.

GeneDx
Classification: Uncertain significance. Last evaluated: 2020-09-25. Review status: criteria provided, single submitter. Criteria: GeneDx Variant Classification Process June 2021. Collection method: clinical testing. Allele origin: germline. Affected: yes.
Comment: In silico analysis supports that this missense variant has a deleterious effect on protein structure/function; Has not been previously published as pathogenic or benign to our knowledge

NM_001292063.2(OTOG):c.920C>T (p.Pro307Leu)

Gene: OTOG (otogelin; plus strand). Cytogenetic location: 11p15.1.
Variant type: single nucleotide variant.
Coding change: c.920C>T on transcript NM_001292063.2 (MANE Select); coding-DNA position 920, C replaced by T.
Protein change: p.Pro307Leu; replaces proline 307 with leucine.
Molecular consequence: missense variant.
Genome position (GRCh38, 1-based): chr11:17,558,239, C>T. VCF-style: chr11-17558239-C-T. GRCh37 (hg19) VCF-style: chr11-17579786-C-T.
Other names: c.956C>T, p.Pro319Leu (NM_001277269.2); short protein forms P307L, P319L.
Identifiers: ClinVar variation 1196554 (VCV001196554.5), dbSNP rs755684934, ClinGen allele CA5905421.